The following is an entry in ClinVar:

NM_021076.4(NEFH):c.1105G>A (p.Ala369Thr)

Gene: NEFH (neurofilament heavy chain; plus strand). Cytogenetic location: 22q12.2.
Variant type: single nucleotide variant.
Coding change: c.1105G>A on transcript NM_021076.4 (MANE Select); coding-DNA position 1105, G replaced by A.
Protein change: p.Ala369Thr; replaces alanine 369 with threonine.
Molecular consequence: missense variant.
Genome position (GRCh38, 1-based): chr22:29,485,744, G>A. VCF-style: chr22-29485744-G-A. GRCh37 (hg19) VCF-style: chr22-29881733-G-A.
Other names: c.1105G>A (NM_021076.3); short protein forms A369T.
Identifiers: ClinVar variation 809345 (VCV000809345.47), dbSNP rs199907249, ClinGen allele CA10174127.

ClinVar aggregate classification (germline): Uncertain significance. Review status: criteria provided, multiple submitters, no conflicts (2 of 4 stars). 3 submissions from 3 submitters: Uncertain significance (3). Last evaluated 2026-01-12.

Conditions:
NEFH-related disorder. Also called: NEFH-related condition.

Allele frequency attached by ClinVar (database versions not stated): gnomAD 0.00001; TOPMed 0.00001; gnomAD exomes 0.00002 and 0.00004; ExAC 0.00003.
gnomAD v4.1: 38 of 1,614,036 alleles (0.0024%); highest among the groups gnomAD compares: Middle Eastern, 0.033%; no homozygotes.

Submissions (3):

PreventionGenetics, part of Exact Sciences
Classification: Uncertain significance for NEFH-related condition. Last evaluated: 2026-01-12. Review status: criteria provided, single submitter. Criteria: ACMG Guidelines, 2015. Collection method: clinical testing. Allele origin: germline.
Comment: The NEFH c.1105G>A variant is predicted to result in the amino acid substitution p.Ala369Thr. To our knowledge, this variant has not been reported in the literature. This variant is reported in 0.016% of alleles in individuals of South Asian descent in gnomAD. At this time, the clinical significance of this variant is uncertain due to the absence of conclusive functional and genetic evidence.

Labcorp Genetics (formerly Invitae), Labcorp
Classification: Uncertain significance. Last evaluated: 2025-01-01. Review status: criteria provided, single submitter. Criteria: Invitae Variant Classification Sherloc (09022015). Collection method: clinical testing. Allele origin: germline.
Comment: This sequence change replaces alanine, which is neutral and non-polar, with threonine, which is neutral and polar, at codon 369 of the NEFH protein (p.Ala369Thr). This variant is present in population databases (rs199907249, gnomAD 0.01%). This variant has not been reported in the literature in individuals affected with NEFH-related conditions. ClinVar contains an entry for this variant (Variation ID: 809345). Invitae Evidence Modeling of protein sequence and biophysical properties (such as structural, functional, and spatial information, amino acid conservation, physicochemical variation, residue mobility, and thermodynamic stability) indicates that this missense variant is not expected to disrupt NEFH protein function with a negative predictive value of 95%. In summary, the available evidence is currently insufficient to determine the role of this variant in disease. Therefore, it has been classified as a Variant of Uncertain Significance.

CeGaT Center for Human Genetics Tuebingen
Classification: Uncertain significance. Last evaluated: 2018-11-01. Review status: criteria provided, single submitter. Criteria: CeGaT Center For Human Genetics Tuebingen Variant Classification Criteria Version 2. Collection method: clinical testing. Allele origin: germline. Affected: yes. Observed: 1 variant allele.